The following is an entry in ClinVar:

ClinVar aggregate classification (germline): Likely benign. Review status: reviewed by expert panel (3 of 4 stars). 12 submissions from 12 submitters: Likely benign (1). 11 of the submissions do not count toward it. Last evaluated 2017-06-29.

Conditions:
Hereditary cancer-predisposing syndrome. Also called: Tumor predisposition; Hereditary neoplastic syndrome; Neoplastic Syndromes, Hereditary; Hereditary Cancer Syndrome. Identifiers: Orphanet 140162, MedGen C0027672, MeSH D009386, MONDO:0015356.
Hereditary breast ovarian cancer syndrome. Also called: Hereditary breast and ovarian cancer syndrome; Hereditary breast and ovarian cancer; Hereditary breast and ovarian cancer syndrome (HBOC); Breast and ovarian cancer; BRCA1- and BRCA2-Associated Hereditary Breast and Ovarian Cancer; Hereditary breast and/or ovarian cancer syndrome. Identifiers: Orphanet 145, MedGen C0677776, MeSH D061325, MONDO:0003582. Disease mechanism: loss of function.
Breast-ovarian cancer, familial, susceptibility to, 2 (BROVCA2). Also called: BRCA2 Hereditary Breast and Ovarian Cancer. Identifiers: Orphanet 145, MedGen C2675520, MONDO:0012933, OMIM 612555. Disease mechanism: loss of function.
Malignant tumor of breast. Also called: Malignant breast neoplasm; Cancer breast. Identifiers: MedGen C0006142, MONDO:0007254. Disease mechanism: loss of function.

Allele frequency attached by ClinVar (database versions not stated): TOPMed below 0.00001; gnomAD exomes 0.00001.
gnomAD v4.1: 11 of 1,614,180 alleles (0.00068%); highest among the groups gnomAD compares: Non-Finnish European, 0.00093%; no homozygotes.

Submissions (12):

Evidence-based Network for the Interpretation of Germline Mutant Alleles (ENIGMA)
Classification: Likely benign for Breast-ovarian cancer, familial, susceptibility to, 2. Last evaluated: 2017-06-29. Review status: reviewed by expert panel. Criteria: ENIGMA BRCA1/2 Classification Criteria (2017-06-29). Collection method: curation. Allele origin: germline.
Comment: Synonymous substitution variant, with low bioinformatic likelihood to result in a splicing aberration (Splicing prior probability 0.02).

Labcorp Genetics (formerly Invitae), Labcorp
Classification: Likely benign for Hereditary breast ovarian cancer syndrome. Last evaluated: 2025-02-18. Review status: criteria provided, single submitter. Criteria: Invitae Variant Classification Sherloc (09022015). Collection method: clinical testing. Allele origin: germline. Not counted in ClinVar's aggregate classification.

All of Us Research Program, National Institutes of Health
Classification: Likely benign for Breast-ovarian cancer, familial, susceptibility to, 2. Last evaluated: 2023-09-17. Review status: criteria provided, single submitter. Criteria: ACMG Guidelines, 2015. Collection method: clinical testing. Allele origin: germline. Inheritance: Autosomal dominant inheritance. Observed: 2 variant alleles, 2 heterozygotes. Not counted in ClinVar's aggregate classification.
Comment: This study involves interpretation of variants in research participants for the purpose of population health screening. Participant phenotype was not available at the time of variant classification. Additional details can be found in publication PMID: 35346344, PMCID: PMC8962531

Sema4
Classification: Likely benign for Hereditary cancer-predisposing syndrome. Last evaluated: 2021-03-24. Review status: criteria provided, single submitter. Criteria: Sema4 Curation Guidelines. Collection method: curation. Allele origin: germline. Not counted in ClinVar's aggregate classification.

GeneDx
Classification: Likely benign. Last evaluated: 2019-12-11. Review status: criteria provided, single submitter. Criteria: GeneDx Variant Classification Process June 2021. Collection method: clinical testing. Allele origin: germline. Affected: yes. Not counted in ClinVar's aggregate classification.

Women's Health and Genetics/Laboratory Corporation of America, LabCorp
Classification: Likely benign. Last evaluated: 2019-08-21. Review status: criteria provided, single submitter. Criteria: LabCorp Variant Classification Summary - May 2015. Collection method: clinical testing. Allele origin: germline. Not counted in ClinVar's aggregate classification.

ARUP Laboratories, Molecular Genetics and Genomics, ARUP Laboratories
Classification: Benign. Last evaluated: 2016-12-28. Review status: criteria provided, single submitter. Criteria: ARUP Molecular Germline Variant Investigation Process. Collection method: clinical testing. Allele origin: germline. Not counted in ClinVar's aggregate classification.

Ambry Genetics
Classification: Likely benign for Hereditary cancer-predisposing syndrome. Last evaluated: 2016-10-20. Review status: criteria provided, single submitter. Criteria: Ambry Variant Classification Scheme 2023. Collection method: clinical testing. Allele origin: germline. Not counted in ClinVar's aggregate classification.

Color Diagnostics, LLC DBA Color Health
Classification: Likely benign for Hereditary cancer-predisposing syndrome. Last evaluated: 2016-06-20. Review status: criteria provided, single submitter. Criteria: ACMG Guidelines, 2015. Collection method: clinical testing. Allele origin: germline. Not counted in ClinVar's aggregate classification.

Clinical Genetics DNA and cytogenetics Diagnostics Lab, Erasmus MC, Erasmus Medical Center
Classification: Likely benign. Review status: no assertion criteria provided. Collection method: clinical testing. Allele origin: germline. Affected: yes. Study: VKGL Data-share Consensus. Not counted in ClinVar's aggregate classification.

Department of Pathology and Laboratory Medicine, Sinai Health System
Classification: Likely benign for Malignant tumor of breast. Review status: no assertion criteria provided. Collection method: clinical testing. Allele origin: unknown. Affected: yes. Study: The Canadian Open Genetics Repository (COGR). Not counted in ClinVar's aggregate classification.
Comment: The BRCA2 p.Thr2708Thr variant was not identified in the literature nor was it identified in the dbSNP, NHLBI Exome Sequencing Project (Exome Variant Server), HGMD, LOVD, COSMIC, UMD, or BIC databases. The p.Thr2708Thr variant is not expected to have clinical significance because it does not result in a change of amino acid and is not located in a known consensus splice site. In addition, in silico or computational prediction software programs (SpliceSiteFinder, MaxEntScan, NNSPLICE, GeneSplicer, HumanSpliceFinder) do not predict a difference in splicing. In summary, based on the above information, the clinical significance of this variant cannot be determined with certainty at this time although we would lean towards a more benign role for this variant. This variant is classified as predicted benign.

Joint Genome Diagnostic Labs from Nijmegen and Maastricht, Radboudumc and MUMC+
Classification: Likely benign. Review status: no assertion criteria provided. Collection method: clinical testing. Allele origin: germline. Affected: yes. Study: VKGL Data-share Consensus. Not counted in ClinVar's aggregate classification.

NM_000059.4(BRCA2):c.8124T>G (p.Thr2708=)

Gene: BRCA2 (BRCA2 DNA repair associated; plus strand). Cytogenetic location: 13q13.1.
Variant type: single nucleotide variant.
Coding change: c.8124T>G on transcript NM_000059.4 (MANE Select); coding-DNA position 8124, T replaced by G.
Protein change: p.Thr2708=; no amino-acid change (threonine 2708 retained).
Molecular consequence: synonymous variant.
Genome position (GRCh38, 1-based): chr13:32,363,326, T>G. VCF-style: chr13-32363326-T-G. GRCh37 (hg19) VCF-style: chr13-32937463-T-G.
Identifiers: ClinVar variation 135817 (VCV000135817.42), dbSNP rs587780662, ClinGen allele CA025462.